The following is an entry in ClinVar:

NM_000135.4(FANCA):c.1007-10C>A

Gene: FANCA (FA complementation group A; minus strand). Cytogenetic location: 16q24.3.
Variant type: single nucleotide variant.
Coding change: c.1007-10C>A on transcript NM_000135.4 (MANE Select); 10 bases into the intron before coding-DNA position 1007, C replaced by A.
Molecular consequence: intron variant.
Genome position (GRCh38, 1-based): chr16:89,792,557, G>T on the plus strand (C>A on the coding strand, the complement: FANCA is on the minus strand). VCF-style: chr16-89792557-G-T. GRCh37 (hg19) VCF-style: chr16-89858965-G-T.
Other names: c.1007-10C>A (NM_001286167.3, NM_000135.3).
Identifiers: ClinVar variation 1639943 (VCV001639943.9), dbSNP rs2040111171, ClinGen allele CA2241926182.
Genomic context (GRCh38, chr16:89,792,557, plus strand): 5'-GGTGTGTCCGCGCAAAGCTCCACTCTCTCTGCATCTGAACAGCATCAGATGCTGCAGGGG[G>T]AGAAACAGACAAAAACTTCAAGTCAGAGATCAAAAAGTTGTGGGTTTTTGTTAAGGACCA-3'

ClinVar aggregate classification (germline): Conflicting classifications of pathogenicity. Review status: criteria provided, conflicting classifications (1 of 4 stars). 2 submissions from 2 submitters: Uncertain significance (1); Likely benign (1). Last evaluated 2025-09-15.

Conditions:
Fanconi anemia (FA). Also called: Fanconi's anemia. Identifiers: Orphanet 84, MedGen C0015625, MeSH D005199, MONDO:0019391.

Submissions (2):

Quest Diagnostics Nichols Institute San Juan Capistrano
Classification: Uncertain significance. Last evaluated: 2025-09-15. Review status: criteria provided, single submitter. Criteria: Quest Diagnostics criteria. Collection method: clinical testing. Allele origin: unknown.
Comment: The FANCA c.1007-10C>A variant has not been reported in individuals with FANCA-related conditions in the published literature. This variant has not been reported in large, multi-ethnic general populations (Genome Aggregation Database). Analysis of this variant using software algorithms for the prediction of the effect of nucleotide changes on FANCA mRNA splicing yielded inconclusive findings. Based on the available information, we are unable to determine the clinical significance of this variant.

Labcorp Genetics (formerly Invitae), Labcorp
Classification: Likely benign for Fanconi anemia. Last evaluated: 2023-11-19. Review status: criteria provided, single submitter. Criteria: Invitae Variant Classification Sherloc (09022015). Collection method: clinical testing. Allele origin: germline.